The following is an entry in ClinVar:

NM_019109.5(ALG1):c.579G>A (p.Leu193=)

Gene: ALG1 (ALG1 chitobiosyldiphosphodolichol beta-mannosyltransferase; plus strand). Cytogenetic location: 16p13.3.
Variant type: single nucleotide variant.
Coding change: c.579G>A on transcript NM_019109.5 (MANE Select); coding-DNA position 579, G replaced by A.
Protein change: p.Leu193=; no amino-acid change (leucine 193 retained).
Molecular consequence: synonymous variant.
Genome position (GRCh38, 1-based): chr16:5,077,484, G>A. VCF-style: chr16-5077484-G-A. GRCh37 (hg19) VCF-style: chr16-5127485-G-A.
Other names: c.246G>A, p.Leu82= (NM_001330504.2).
Identifiers: ClinVar variation 513946 (VCV000513946.10), dbSNP rs750145784, ClinGen allele CA7889900.

ClinVar aggregate classification (germline): Likely benign. Review status: criteria provided, multiple submitters, no conflicts (2 of 4 stars). 4 submissions from 4 submitters: Likely benign (4). Last evaluated 2025-11-15.

Conditions:
ALG1-congenital disorder of glycosylation. Also called: ALG1-CDG; CONGENITAL DISORDER OF GLYCOSYLATION, TYPE Ik; CDG Ik. Identifiers: Orphanet 79327, MedGen C2931005, MONDO:0012052, OMIM 608540.
Inborn genetic diseases. Identifiers: MedGen C0950123, MeSH D030342.

Allele frequency attached by ClinVar (database versions not stated): gnomAD 0.00001 and 0.00002; gnomAD exomes 0.00001; TOPMed 0.00005.
gnomAD v4.1: 24 of 1,614,068 alleles (0.0015%); highest among the groups gnomAD compares: Admixed American, 0.018%; no homozygotes.

Submissions (4):

Labcorp Genetics (formerly Invitae), Labcorp
Classification: Likely benign for ALG1-congenital disorder of glycosylation. Last evaluated: 2025-11-15. Review status: criteria provided, single submitter. Criteria: Invitae Variant Classification Sherloc (09022015). Collection method: clinical testing. Allele origin: germline.

Ambry Genetics
Classification: Likely benign for Inborn genetic diseases. Last evaluated: 2024-10-16. Review status: criteria provided, single submitter. Criteria: Ambry Variant Classification Scheme 2023. Collection method: clinical testing. Allele origin: germline.

Fulgent Genetics
Classification: Likely benign for ALG1-congenital disorder of glycosylation. Last evaluated: 2022-04-23. Review status: criteria provided, single submitter. Criteria: ACMG Guidelines, 2015. Collection method: clinical testing. Allele origin: unknown.

GeneDx
Classification: Likely benign. Last evaluated: 2017-12-22. Review status: criteria provided, single submitter. Criteria: GeneDx Variant Classification (06012015). Collection method: clinical testing. Allele origin: germline. Affected: yes.
Comment: This variant is considered likely benign or benign based on one or more of the following criteria: it is a conservative change, it occurs at a poorly conserved position in the protein, it is predicted to be benign by multiple in silico algorithms, and/or has population frequency not consistent with disease.